The following is an entry in ClinVar:

NM_001366385.1(CARD14):c.2561G>A (p.Cys854Tyr)

Genes: SGSH (N-sulfoglucosamine sulfohydrolase; minus strand), CARD14 (caspase recruitment domain family member 14; plus strand), LOC126862662 (MED14-independent group 3 enhancer GRCh37_chr17:78178385-78179584; plus strand). Cytogenetic location: 17q25.3.
Variant type: single nucleotide variant.
Coding change: c.2561G>A on transcript NM_001366385.1 (MANE Select); coding-DNA position 2561, G replaced by A.
Protein change: p.Cys854Tyr; replaces cysteine 854 with tyrosine.
Molecular consequence: missense variant. On other transcripts: non-coding transcript variant (1).
Genome position (GRCh38, 1-based): chr17:80,205,197, G>A. VCF-style: chr17-80205197-G-A. GRCh37 (hg19) VCF-style: chr17-78178996-G-A.
Other names: c.2561G>A, p.Cys854Tyr (NM_024110.4); short protein forms C854Y.
Identifiers: ClinVar variation 1449287 (VCV001449287.8), dbSNP rs2144557503, ClinGen allele CA401356205.
Genomic context (GRCh38, chr17:80,205,197, plus strand): 5'-CCAGGGCGGTTGGGAAGATCCTGAGCGAGAAACTGTGCCTCCTCCAAGGGTTTAAGAAGT[G>A]CCTGGCAGGTATGCTGTTGCCTGGGAATCCCTCTACCCCTTCCACCTTCCCTCCCTCCCT-3'
Protein context (NP_001353314.1, residues 844-864): KLCLLQGFKK[Cys854Tyr]LAEYLSQEEY

ClinVar aggregate classification (germline): Uncertain significance (1 of 4 stars; one submission).

Conditions:
Pityriasis rubra pilaris (PRP). Also called: Pityriasis rubra pilaris--familial type. Identifiers: Orphanet 2897, MedGen C0032027, MONDO:0100017, OMIM 173200, MONDO:0008251.
Psoriasis 2. Identifiers: MedGen C1864497, MONDO:0011269, OMIM 602723.

Allele frequency attached by ClinVar (database versions not stated): gnomAD exomes below 0.00001.
gnomAD v4.1: 1 of 1,612,040 alleles (0.000062%); highest among the groups gnomAD compares: Non-Finnish European, 0.000085%; no homozygotes.

Submission:

Labcorp Genetics (formerly Invitae), Labcorp
Classification: Uncertain significance for Pityriasis rubra pilaris; Psoriasis 2. Last evaluated: 2022-08-09. Review status: criteria provided, single submitter. Criteria: Invitae Variant Classification Sherloc (09022015). Collection method: clinical testing. Allele origin: germline.
Comment: In summary, the available evidence is currently insufficient to determine the role of this variant in disease. Therefore, it has been classified as a Variant of Uncertain Significance. Algorithms developed to predict the effect of missense changes on protein structure and function are either unavailable or do not agree on the potential impact of this missense change (SIFT: "Deleterious"; PolyPhen-2: "Probably Damaging"; Align-GVGD: "Class C0"). ClinVar contains an entry for this variant (Variation ID: 1449287). This variant has not been reported in the literature in individuals affected with CARD14-related conditions. This variant is not present in population databases (gnomAD no frequency). This sequence change replaces cysteine, which is neutral and slightly polar, with tyrosine, which is neutral and polar, at codon 854 of the CARD14 protein (p.Cys854Tyr).